The following is an entry in ClinVar:

NM_005585.5(SMAD6):c.698C>G (p.Pro233Arg)

Gene: SMAD6 (SMAD family member 6; plus strand). Cytogenetic location: 15q22.31.
Variant type: single nucleotide variant.
Coding change: c.698C>G on transcript NM_005585.5 (MANE Select); coding-DNA position 698, C replaced by G.
Protein change: p.Pro233Arg; replaces proline 233 with arginine.
Molecular consequence: missense variant. On other transcripts: non-coding transcript variant (1).
Genome position (GRCh38, 1-based): chr15:66,703,956, C>G. VCF-style: chr15-66703956-C-G. GRCh37 (hg19) VCF-style: chr15-66996294-C-G.
Other names: short protein forms P233R.
Identifiers: ClinVar variation 4738570 (VCV004738570.1).

ClinVar aggregate classification (germline): Uncertain significance (1 of 4 stars; one submission).

Conditions:
Aortic valve disease 2 (AOVD2). Identifiers: MedGen C3542024, MONDO:0013902, OMIM 614823.

gnomAD v4.1: 3 of 1,427,546 alleles (0.00021%); highest among the groups gnomAD compares: South Asian, 0.0014%; no homozygotes.

Submission:

Labcorp Genetics (formerly Invitae), Labcorp
Classification: Uncertain significance for Aortic valve disease 2. Last evaluated: 2025-09-15. Review status: criteria provided, single submitter. Criteria: Invitae Variant Classification Sherloc (09022015). Collection method: clinical testing. Allele origin: germline.
Comment: This sequence change replaces proline, which is neutral and non-polar, with arginine, which is basic and polar, at codon 233 of the SMAD6 protein (p.Pro233Arg). This variant is not present in population databases (gnomAD no frequency). This variant has not been reported in the literature in individuals affected with SMAD6-related conditions. Invitae Evidence Modeling of protein sequence and biophysical properties (such as structural, functional, and spatial information, amino acid conservation, physicochemical variation, residue mobility, and thermodynamic stability) indicates that this missense variant is not expected to disrupt SMAD6 protein function with a negative predictive value of 80%. In summary, the available evidence is currently insufficient to determine the role of this variant in disease. Therefore, it has been classified as a Variant of Uncertain Significance.